The following is an entry in ClinVar:

NM_172240.3(POC1B):c.835T>C (p.Ser279Pro)

Genes: POC1B (POC1 centriolar protein B; minus strand), POC1B-DUSP6 (POC1B-DUSP6 readthrough; minus strand). Cytogenetic location: 12q21.33.
Variant type: single nucleotide variant.
Coding change: c.835T>C on transcript NM_172240.3 (MANE Select); coding-DNA position 835, T replaced by C.
Protein change: p.Ser279Pro; replaces serine 279 with proline.
Molecular consequence: missense variant. On other transcripts: non-coding transcript variant (2).
Genome position (GRCh38, 1-based): chr12:89,467,661, A>G on the plus strand (T>C on the coding strand, the complement: POC1B is on the minus strand). VCF-style: chr12-89467661-A-G. GRCh37 (hg19) VCF-style: chr12-89861438-A-G.
Other names: c.709T>C, p.Ser237Pro (NM_001199777.2); short protein forms S279P, S237P.
Identifiers: ClinVar variation 865808 (VCV000865808.9), dbSNP rs752644030, ClinGen allele CA6714373.
Genomic context (GRCh38, chr12:89,467,661, plus strand): 5'-TGAAAGATTTACAAACCTGTGTGTCTGCACCTCCTGATGCAAATAGCTCTCCACCTTTTG[A>G]AAATGAAACAGTAAAGACAGGTCCCTGAGAAATAAAGGGAAATAAAGAAAAAAAGTACTT-3'
Protein context (NP_758440.1, residues 269-289): HTGPVFTVSF[Ser279Pro]KGGELFASGG

ClinVar aggregate classification (germline): Uncertain significance. Review status: criteria provided, multiple submitters, no conflicts (2 of 4 stars). 3 submissions from 3 submitters: Uncertain significance (3). Last evaluated 2023-11-06.

Conditions:
Inborn genetic diseases. Identifiers: MedGen C0950123, MeSH D030342.

Allele frequency attached by ClinVar (database versions not stated): gnomAD exomes below 0.00001 and 0.00001; TOPMed below 0.00001; ExAC 0.00001; gnomAD 0.00001.
gnomAD v4.1: 4 of 1,612,106 alleles (0.00025%); highest among the groups gnomAD compares: Admixed American, 0.005%; no homozygotes.

Submissions (3):

Labcorp Genetics (formerly Invitae), Labcorp
Classification: Uncertain significance. Last evaluated: 2023-11-06. Review status: criteria provided, single submitter. Criteria: Invitae Variant Classification Sherloc (09022015). Collection method: clinical testing. Allele origin: germline.
Comment: This sequence change replaces serine, which is neutral and polar, with proline, which is neutral and non-polar, at codon 279 of the POC1B protein (p.Ser279Pro). This variant is present in population databases (rs752644030, gnomAD 0.006%). This missense change has been observed in individual(s) with cone-rod dystrophy (Invitae). ClinVar contains an entry for this variant (Variation ID: 865808). Advanced modeling of protein sequence and biophysical properties (such as structural, functional, and spatial information, amino acid conservation, physicochemical variation, residue mobility, and thermodynamic stability) performed at Invitae indicates that this missense variant is expected to disrupt POC1B protein function with a positive predictive value of 80%. In summary, the available evidence is currently insufficient to determine the role of this variant in disease. Therefore, it has been classified as a Variant of Uncertain Significance.

Ambry Genetics
Classification: Uncertain significance for Inborn genetic diseases. Last evaluated: 2021-08-04. Review status: criteria provided, single submitter. Criteria: Ambry Variant Classification Scheme 2023. Collection method: clinical testing. Allele origin: germline.

Blueprint Genetics
Classification: Uncertain significance. Last evaluated: 2021-05-19. Review status: criteria provided, single submitter. Criteria: ACMG Guidelines, 2015. Collection method: clinical testing. Allele origin: germline.